The following is an entry in ClinVar:

NM_003998.4(NFKB1):c.2091C>T (p.Asp697=)

Gene: NFKB1 (nuclear factor kappa B subunit 1; plus strand). Cytogenetic location: 4q24.
Variant type: single nucleotide variant.
Coding change: c.2091C>T on transcript NM_003998.4 (MANE Select); coding-DNA position 2091, C replaced by T.
Protein change: p.Asp697=; no amino-acid change (aspartic acid 697 retained).
Molecular consequence: synonymous variant.
Genome position (GRCh38, 1-based): chr4:102,607,286, C>T. VCF-style: chr4-102607286-C-T. GRCh37 (hg19) VCF-style: chr4-103528443-C-T.
Other names: c.2088C>T, p.Asp696= (NM_001165412.2, NM_001319226.2, NM_001382627.1); c.2091C>T, p.Asp697= (NM_001382625.1, NM_001382626.1); c.2049C>T, p.Asp683= (NM_001382628.1).
Identifiers: ClinVar variation 4534837 (VCV004534837.6).

ClinVar aggregate classification (germline): Likely benign (1 of 4 stars; one submission).

gnomAD v4.1: 6 of 1,613,476 alleles (0.00037%); highest among the groups gnomAD compares: Admixed American, 0.01%; no homozygotes.

Submission:

CeGaT Center for Human Genetics Tuebingen
Classification: Likely benign. Last evaluated: 2025-10-01. Review status: criteria provided, single submitter. Criteria: CeGaT Center For Human Genetics Tuebingen Variant Classification Criteria Version 2. Collection method: clinical testing. Allele origin: germline. Affected: yes. Observed: 1 variant allele.
Comment: NFKB1: BP4, BP7